The following is an entry in ClinVar:

NM_004360.5(CDH1):c.1008+15G>A

Gene: CDH1 (cadherin 1; plus strand). Cytogenetic location: 16q22.1.
Variant type: single nucleotide variant.
Coding change: c.1008+15G>A on transcript NM_004360.5 (MANE Select); 15 bases into the intron after coding-DNA position 1008, G replaced by A.
Molecular consequence: intron variant.
Genome position (GRCh38, 1-based): chr16:68,811,874, G>A. VCF-style: chr16-68811874-G-A. GRCh37 (hg19) VCF-style: chr16-68845777-G-A.
Other names: c.1008+15G>A (LRG_301t1, NM_001317184.2); c.-608+15G>A (NM_001317185.2); c.-812+15G>A (NM_001317186.2).
Identifiers: ClinVar variation 379303 (VCV000379303.11), dbSNP rs1057520564, ClinGen allele CA16607053.

ClinVar aggregate classification (germline): Likely benign. Review status: criteria provided, multiple submitters, no conflicts (2 of 4 stars). 3 submissions from 3 submitters: Likely benign (3). Last evaluated 2024-03-20.

Conditions:
Hereditary cancer-predisposing syndrome. Also called: Hereditary neoplastic syndrome; Tumor predisposition; Neoplastic Syndromes, Hereditary; Hereditary Cancer Syndrome. Identifiers: Orphanet 140162, MedGen C0027672, MeSH D009386, MONDO:0015356.
Hereditary diffuse gastric adenocarcinoma (HDGC). Also called: DIFFUSE GASTRIC AND LOBULAR BREAST CANCER SYNDROME. Identifiers: Orphanet 26106, MedGen C1708349, MONDO:0007648, OMIM 137215.

Allele frequency attached by ClinVar (database versions not stated): gnomAD exomes below 0.00001.
gnomAD v4.1: 1 of 1,613,720 alleles (0.000062%); highest among the groups gnomAD compares: South Asian, 0.0011%; no homozygotes.

Submissions (3):

Labcorp Genetics (formerly Invitae), Labcorp
Classification: Likely benign for Hereditary diffuse gastric adenocarcinoma. Last evaluated: 2024-03-20. Review status: criteria provided, single submitter. Criteria: Invitae Variant Classification Sherloc (09022015). Collection method: clinical testing. Allele origin: germline.

Color Diagnostics, LLC DBA Color Health
Classification: Likely benign for Hereditary cancer-predisposing syndrome. Last evaluated: 2016-08-05. Review status: criteria provided, single submitter. Criteria: ACMG Guidelines, 2015. Collection method: clinical testing. Allele origin: germline.

GeneDx
Classification: Likely benign. Last evaluated: 2016-07-06. Review status: criteria provided, single submitter. Criteria: GeneDx Variant Classification (06012015). Collection method: clinical testing. Allele origin: germline. Affected: yes.
Comment: This variant is considered likely benign or benign based on one or more of the following criteria: it is a conservative change, it occurs at a poorly conserved position in the protein, it is predicted to be benign by multiple in silico algorithms, and/or has population frequency not consistent with disease.